The following is an entry in ClinVar:

NM_000059.4(BRCA2):c.2357C>A (p.Ser786Tyr)

Gene: BRCA2 (BRCA2 DNA repair associated; plus strand). Cytogenetic location: 13q13.1.
Variant type: single nucleotide variant.
Coding change: c.2357C>A on transcript NM_000059.4 (MANE Select); coding-DNA position 2357, C replaced by A.
Protein change: p.Ser786Tyr; replaces serine 786 with tyrosine.
Molecular consequence: missense variant.
Genome position (GRCh38, 1-based): chr13:32,336,712, C>A. VCF-style: chr13-32336712-C-A. GRCh37 (hg19) VCF-style: chr13-32910849-C-A.
Other names: c.2357C>A, p.Ser786Tyr (NM_001406719.1, NM_001406720.1); short protein forms S786Y.
Identifiers: ClinVar variation 1790088 (VCV001790088.4), dbSNP rs80358501, ClinGen allele CA387771686.
Genomic context (GRCh38, chr13:32,336,712, plus strand): 5'-CCAGCACTCTTATTTTAACTCCTACTTCCAAGGATGTTCTGTCAAACCTAGTCATGATTT[C>A]TAGAGGCAAAGAATCATACAAAATGTCAGACAAGCTCAAAGGTAACAATTATGAATCTGA-3'
Protein context (NP_000050.3, residues 776-796): KDVLSNLVMI[Ser786Tyr]RGKESYKMSD

ClinVar aggregate classification (germline): Conflicting classifications of pathogenicity. Review status: criteria provided, conflicting classifications (1 of 4 stars). 2 submissions from 2 submitters: Uncertain significance (1); Likely benign (1). Last evaluated 2023-03-23.

Conditions:
Hereditary cancer-predisposing syndrome. Also called: Hereditary Cancer Syndrome; Hereditary neoplastic syndrome; Tumor predisposition; Neoplastic Syndromes, Hereditary. Identifiers: Orphanet 140162, MedGen C0027672, MeSH D009386, MONDO:0015356.

Submissions (2):

University of Washington Department of Laboratory Medicine, University of Washington
Classification: Likely benign for Hereditary cancer-predisposing syndrome. Last evaluated: 2023-03-23. Review status: criteria provided, single submitter. Criteria: Dines et al. (Genet Med. 2020). Collection method: curation. Allele origin: germline.
Comment: Missense variant in a coldspot region where missense variants are very unlikely to be pathogenic (PMID:31911673).

BRCA2 exon 11 coldspot. Reclassification based on statistical prior probability.

Ambry Genetics
Classification: Uncertain significance for Hereditary cancer-predisposing syndrome. Last evaluated: 2019-06-05. Review status: criteria provided, single submitter. Criteria: Ambry Variant Classification Scheme 2023. Collection method: clinical testing. Allele origin: germline.
Comment: The p.S786Y variant (also known as c.2357C>A), located in coding exon 10 of the BRCA2 gene, results from a C to A substitution at nucleotide position 2357. The serine at codon 786 is replaced by tyrosine, an amino acid with dissimilar properties. This amino acid position is well conserved in available vertebrate species. In addition, the in silico prediction for this alteration is inconclusive. Since supporting evidence is limited at this time, the clinical significance of this alteration remains unclear.